The following is an entry in ClinVar:

NM_001379228.1(MRAP):c.242G>T (p.Ser81Ile)

Genes: MRAP (melanocortin 2 receptor accessory protein; plus strand), URB1 (URB1 ribosome biogenesis factor; minus strand). Cytogenetic location: 21q22.11.
Variant type: single nucleotide variant.
Coding change: c.242G>T on transcript NM_001379228.1 (MANE Select); coding-DNA position 242, G replaced by T.
Protein change: p.Ser81Ile; replaces serine 81 with isoleucine.
Molecular consequence: missense variant. On other transcripts: 3 prime UTR variant (1), intron variant (1).
Genome position (GRCh38, 1-based): chr21:32,311,719, G>T. VCF-style: chr21-32311719-G-T. GRCh37 (hg19) VCF-style: chr21-33684030-G-T.
Other names: c.65G>T, p.Ser22Ile (NM_001285394.2); c.242G>T, p.Ser81Ile (NM_178817.4); c.*3199C>A (NM_014825.3); c.207-2832G>T (NM_206898.2); short protein forms S22I, S81I.
Identifiers: ClinVar variation 3355871 (VCV003355871.2).

ClinVar aggregate classification (germline): Uncertain significance. Review status: criteria provided, single submitter (1 of 4 stars). 2 submissions from 2 submitters: Uncertain significance (1). 1 of the submissions does not count toward it. Last evaluated 2025-07-15.

Conditions:
MRAP-related disorder. Also called: MRAP-related condition.
Inborn genetic diseases. Identifiers: MedGen C0950123, MeSH D030342.

gnomAD v4.1: 9 of 1,613,938 alleles (0.00056%); highest among the groups gnomAD compares: African/African-American, 0.011%; no homozygotes.

Submissions (2):

Ambry Genetics
Classification: Uncertain significance for Inborn genetic diseases. Last evaluated: 2025-07-15. Review status: criteria provided, single submitter. Criteria: Ambry Variant Classification Scheme 2023. Collection method: clinical testing. Allele origin: germline.

PreventionGenetics, part of Exact Sciences
Classification: Uncertain significance for MRAP-related condition. Last evaluated: 2024-08-18. Review status: no assertion criteria provided. Collection method: clinical testing. Allele origin: germline. Not counted in ClinVar's aggregate classification.
Comment: The MRAP c.242G>T variant is predicted to result in the amino acid substitution p.Ser81Ile. To our knowledge, this variant has not been reported in the literature. This variant is reported in 0.016% of alleles in individuals of African descent in gnomAD. At this time, the clinical significance of this variant is uncertain due to the absence of conclusive functional and genetic evidence.